The following is an entry in ClinVar:

NM_173477.5(USH1G):c.744G>T (p.Gln248His)

Gene: USH1G (USH1 protein network component sans; minus strand). Cytogenetic location: 17q25.1.
Variant type: single nucleotide variant.
Coding change: c.744G>T on transcript NM_173477.5 (MANE Select); coding-DNA position 744, G replaced by T.
Protein change: p.Gln248His; replaces glutamine 248 with histidine.
Molecular consequence: missense variant.
Genome position (GRCh38, 1-based): chr17:74,920,092, C>A on the plus strand (G>T on the coding strand, the complement: USH1G is on the minus strand). VCF-style: chr17-74920092-C-A. GRCh37 (hg19) VCF-style: chr17-72916187-C-A.
Other names: c.435G>T, p.Gln145His (NM_001282489.3); short protein forms Q145H, Q248H.
Identifiers: ClinVar variation 1011512 (VCV001011512.8), dbSNP rs2038919509, ClinGen allele CA400963572.

ClinVar aggregate classification (germline): Uncertain significance (1 of 4 stars; one submission).

Submission:

Labcorp Genetics (formerly Invitae), Labcorp
Classification: Uncertain significance. Last evaluated: 2022-07-25. Review status: criteria provided, single submitter. Criteria: Invitae Variant Classification Sherloc (09022015). Collection method: clinical testing. Allele origin: germline.
Comment: Algorithms developed to predict the effect of missense changes on protein structure and function are either unavailable or do not agree on the potential impact of this missense change (SIFT: "Not Available"; PolyPhen-2: "Probably Damaging"; Align-GVGD: "Not Available"). In summary, the available evidence is currently insufficient to determine the role of this variant in disease. Therefore, it has been classified as a Variant of Uncertain Significance. This sequence change replaces glutamine, which is neutral and polar, with histidine, which is basic and polar, at codon 248 of the USH1G protein (p.Gln248His). This variant is not present in population databases (gnomAD no frequency). ClinVar contains an entry for this variant (Variation ID: 1011512). This variant has not been reported in the literature in individuals affected with USH1G-related conditions.